The following is an entry in ClinVar:

ClinVar aggregate classification (germline): Uncertain significance. Review status: criteria provided, multiple submitters, no conflicts (2 of 4 stars). 2 submissions from 2 submitters: Uncertain significance (2). Last evaluated 2022-10-08.

Conditions:
Hereditary cancer-predisposing syndrome. Also called: Neoplastic Syndromes, Hereditary; Tumor predisposition; Hereditary Cancer Syndrome; Hereditary neoplastic syndrome. Identifiers: Orphanet 140162, MedGen C0027672, MeSH D009386, MONDO:0015356.
Neuroblastoma, susceptibility to, 3. Also called: ALK-Related Neuroblastic Tumor Susceptibility. Identifiers: Orphanet 635, MedGen C2751681, MONDO:0013083, OMIM 613014.

Submissions (2):

Labcorp Genetics (formerly Invitae), Labcorp
Classification: Uncertain significance for Neuroblastoma, susceptibility to, 3. Last evaluated: 2022-10-08. Review status: criteria provided, single submitter. Criteria: Invitae Variant Classification Sherloc (09022015). Collection method: clinical testing. Allele origin: germline.
Comment: In summary, the available evidence is currently insufficient to determine the role of this variant in disease. Therefore, it has been classified as a Variant of Uncertain Significance. Algorithms developed to predict the effect of missense changes on protein structure and function are either unavailable or do not agree on the potential impact of this missense change (SIFT: "Deleterious"; PolyPhen-2: "Benign"; Align-GVGD: "Class C15"). This variant has not been reported in the literature in individuals affected with ALK-related conditions. This variant is not present in population databases (gnomAD no frequency). This sequence change replaces asparagine, which is neutral and polar, with lysine, which is basic and polar, at codon 1581 of the ALK protein (p.Asn1581Lys).

Ambry Genetics
Classification: Uncertain significance for Hereditary cancer-predisposing syndrome. Last evaluated: 2022-06-07. Review status: criteria provided, single submitter. Criteria: Ambry Variant Classification Scheme 2023. Collection method: clinical testing. Allele origin: germline.
Comment: The p.N1581K variant (also known as c.4743T>A), located in coding exon 29 of the ALK gene, results from a T to A substitution at nucleotide position 4743. The asparagine at codon 1581 is replaced by lysine, an amino acid with similar properties. This amino acid position is conserved. In addition, this alteration is predicted to be tolerated by in silico analysis. Since supporting evidence is limited at this time, the clinical significance of this alteration remains unclear.

NM_004304.5(ALK):c.4743T>A (p.Asn1581Lys)

Gene: ALK (ALK receptor tyrosine kinase; minus strand). Cytogenetic location: 2p23.2.
Variant type: single nucleotide variant.
Coding change: c.4743T>A on transcript NM_004304.5 (MANE Select); coding-DNA position 4743, T replaced by A.
Protein change: p.Asn1581Lys; replaces asparagine 1581 with lysine.
Molecular consequence: missense variant.
Genome position (GRCh38, 1-based): chr2:29,193,344, A>T on the plus strand (T>A on the coding strand, the complement: ALK is on the minus strand). VCF-style: chr2-29193344-A-T. GRCh37 (hg19) VCF-style: chr2-29416210-A-T.
Other names: c.1539T>A, p.Asn513Lys (NM_001353765.2); short protein forms N513K, N1581K.
Identifiers: ClinVar variation 1742787 (VCV001742787.7), dbSNP rs747946035, ClinGen allele CA346460341.